The following is an entry in ClinVar:

NM_004260.4(RECQL4):c.267_268del (p.Pro90fs)

Gene: RECQL4 (RecQ like helicase 4; minus strand). Cytogenetic location: 8q24.3.
Variant type: Deletion.
Coding change: c.267_268del on transcript NM_004260.4 (MANE Select); coding-DNA positions 267 to 268, 2 bases deleted (TC; older notation c.267_268delTC).
Protein change: p.Pro90fs; shifts the reading frame from proline 90.
Molecular consequence: frameshift variant.
Genome position (GRCh38, 1-based): chr8:144,517,136-144,517,137, GA deleted on the plus strand (TC on the coding strand, the reverse complement: RECQL4 is on the minus strand). VCF-style (leftmost placement, unchanged base first): chr8-144517135-GGA-G. GRCh37 (hg19) VCF-style: chr8-145742519-GGA-G.
Other names: c.267_268delTC, p.Pro90Thrfs (NM_001413017.1, NM_001413018.1, NM_001413019.1 and 5 more transcripts); c.-454_-453delTC (NM_001413021.1); c.-805_-804delTC (NM_001413022.1, NM_001413023.1, NM_001413037.1 and 3 more transcripts); c.-702_-701delTC (NM_001413024.1, NM_001413035.1); c.138_139delTC, p.Pro47Thrfs (NM_001413025.1); c.-867_-866delTC (NM_001413027.1, NM_001413030.1, NM_001413031.1 and 1 more transcripts); c.-530_-529delTC (NM_001413028.1); c.-764_-763delTC (NM_001413032.1); and 2 more; short protein forms P90fs.
Identifiers: ClinVar variation 1914015 (VCV001914015.5), dbSNP rs1302751005, ClinGen allele CA848893047.

ClinVar aggregate classification (germline): Pathogenic (1 of 4 stars; one submission).

Conditions:
Baller-Gerold syndrome (BGS). Also called: CRANIOSYNOSTOSIS WITH RADIAL DEFECTS. Identifiers: Orphanet 1225, MedGen C0265308, MONDO:0009039, OMIM 218600.

Allele frequency attached by ClinVar (database versions not stated): TOPMed 0.00001.

Submission:

Labcorp Genetics (formerly Invitae), Labcorp
Classification: Pathogenic for Baller-Gerold syndrome. Last evaluated: 2023-06-25. Review status: criteria provided, single submitter. Criteria: Invitae Variant Classification Sherloc (09022015). Collection method: clinical testing. Allele origin: germline.
Comment: This variant is not present in population databases (gnomAD no frequency). This sequence change creates a premature translational stop signal (p.Pro90Thrfs*46) in the RECQL4 gene. It is expected to result in an absent or disrupted protein product. Loss-of-function variants in RECQL4 are known to be pathogenic (PMID: 12734318, 12952869). This variant has not been reported in the literature in individuals affected with RECQL4-related conditions. ClinVar contains an entry for this variant (Variation ID: 1914015). For these reasons, this variant has been classified as Pathogenic.

Literature cited by the submitters: PubMed 12734318; PubMed 12952869.